The following is an entry in ClinVar:

ClinVar aggregate classification (germline): Uncertain significance (1 of 4 stars; one submission).

Conditions:
Familial thoracic aortic aneurysm and aortic dissection (TAAD). Also called: Thoracic aortic aneurysms and dissections. Identifiers: Orphanet 91387, MedGen C4707243, MONDO:0019625.

Allele frequency attached by ClinVar (database versions not stated): gnomAD exomes below 0.00001; TOPMed below 0.00001.
gnomAD v4.1: 1 of 1,614,028 alleles (0.000062%); highest among the groups gnomAD compares: Non-Finnish European, 0.000085%; no homozygotes.

Submission:

Ambry Genetics
Classification: Uncertain significance for Familial thoracic aortic aneurysm and aortic dissection. Last evaluated: 2021-08-31. Review status: criteria provided, single submitter. Criteria: Ambry Variant Classification Scheme 2023. Collection method: clinical testing. Allele origin: germline.
Comment: The p.T1748M variant (also known as c.5243C>T), located in coding exon 29 of the MYLK gene, results from a C to T substitution at nucleotide position 5243. The threonine at codon 1748 is replaced by methionine, an amino acid with similar properties. This amino acid position is conserved. In addition, the in silico prediction for this alteration is inconclusive. Since supporting evidence is limited at this time, the clinical significance of this alteration remains unclear.

NM_053025.4(MYLK):c.5243C>T (p.Thr1748Met)

Genes: MYLK-AS1 (MYLK antisense RNA 1; plus strand), MYLK (myosin light chain kinase; minus strand). Cytogenetic location: 3q21.1.
Variant type: single nucleotide variant.
Coding change: c.5243C>T on transcript NM_053025.4 (MANE Select); coding-DNA position 5243, C replaced by T.
Protein change: p.Thr1748Met; replaces threonine 1748 with methionine.
Molecular consequence: missense variant. On other transcripts: 5 prime UTR variant (2).
Genome position (GRCh38, 1-based): chr3:123,620,332, G>A on the plus strand (C>T on the coding strand, the complement: MYLK is on the minus strand). VCF-style: chr3-123620332-G-A. GRCh37 (hg19) VCF-style: chr3-123339179-G-A.
Other names: c.4715C>T, p.Thr1572Met (NM_001321309.2); c.5036C>T, p.Thr1679Met (NM_053026.4); c.5090C>T, p.Thr1697Met (NM_053027.4); c.4883C>T, p.Thr1628Met (NM_053028.4); c.-38C>T (NM_053031.4, NM_053032.4); short protein forms T1628M, T1679M, T1572M, T1748M, T1697M.
Identifiers: ClinVar variation 1746309 (VCV001746309.2), dbSNP rs2057783569, ClinGen allele CA354231841.